The following is an entry in ClinVar:

ClinVar aggregate classification (germline): Pathogenic/Likely pathogenic. Review status: criteria provided, multiple submitters, no conflicts (2 of 4 stars). 5 submissions from 5 submitters: Pathogenic (1); Likely pathogenic (4). Last evaluated 2026-06-04.

Conditions:
Hereditary cancer-predisposing syndrome. Also called: Tumor predisposition; Hereditary neoplastic syndrome; Neoplastic Syndromes, Hereditary; Hereditary Cancer Syndrome. Identifiers: Orphanet 140162, MedGen C0027672, MeSH D009386, MONDO:0015356.
Familial cancer of breast. Also called: Hereditary breast cancer; BREAST CANCER, FAMILIAL; hereditary breast carcinoma. Identifiers: Orphanet 227535, MedGen C0346153, MONDO:0016419, OMIM 114480. Disease mechanism: loss of function.
ATM-related disorder. Also called: ATM-related disorders; ATM-related condition.
Breast carcinoma. Also called: Carcinoma of breast. Identifiers: MedGen C0678222, MONDO:0004989, HP:0003002.

Submissions (5):

Clinical Genetics Laboratory, Skane University Hospital Lund
Classification: Likely pathogenic for Breast carcinoma. Last evaluated: 2026-06-04. Review status: criteria provided, single submitter. Criteria: ACMG Guidelines, 2015. Collection method: clinical testing. Allele origin: germline. Affected: yes.
Comment: ACMG criteria used: PVS1_strong, PS1_supporting, PM2_supporting

Ambry Genetics
Classification: Likely pathogenic for Hereditary cancer-predisposing syndrome. Last evaluated: 2025-01-03. Review status: criteria provided, single submitter. Criteria: Ambry Variant Classification Scheme 2023. Collection method: clinical testing. Allele origin: germline.
Comment: The c.4612-3_4616DELTAGGTATT variant results from a deletion of 8 nucleotides between positions c.4612-3 to c.4616 and involves the canonical splice acceptor site before coding exon 30 of the ATM gene. This nucleotide region is well conserved in available vertebrate species. In silico splice site analysis predicts that this alteration will weaken the native splice acceptor site. RNA studies have demonstrated that this alteration results in abnormal splicing in the set of samples tested (Ambry internal data). This variant is considered to be rare based on population cohorts in the Genome Aggregation Database (gnomAD). Based on the majority of available evidence to date, this variant is likely to be pathogenic.

Myriad Genetics, Inc.
Classification: Likely pathogenic for Familial cancer of breast. Last evaluated: 2024-01-24. Review status: criteria provided, single submitter. Criteria: Myriad Autosomal Dominant, Autosomal Recessive and X-Linked Classification Criteria (2023). Collection method: clinical testing. Allele origin: unknown.
Comment: This variant is considered likely pathogenic. This variant occurs within a consensus splice junction and is predicted to result in abnormal mRNA splicing of either an out-of-frame exon or an in-frame exon necessary for protein stability and/or normal function.

Color Diagnostics, LLC DBA Color Health
Classification: Likely pathogenic for Hereditary cancer-predisposing syndrome. Last evaluated: 2024-01-16. Review status: criteria provided, single submitter. Criteria: ACMG Guidelines, 2015. Collection method: clinical testing. Allele origin: germline.
Comment: This variant causes an 8 nucleotide deletion spanning the intron 30 and exon 31 junction of the ATM gene. Splice site prediction tools suggest that this variant may have a significant impact on RNA splicing by disrupting a splice acceptor site and causing in-frame skipping of exon 31. A different variant, c.4776+2T>C, affecting the downstream splice donor site is also expected to cause exon 31 skipping and is known to be disease-causing (ClinVar variation ID: 141672). In a large international case-control study, c.4612-3_4616del was reported in 1/60465 breast cancer cases and 1/53460 controls (PMID: 33471991). This variant has also been identified in 1/189382 chromosomes in the general population by the Genome Aggregation Database (gnomAD). Loss of ATM function is a known mechanism of disease. Based on the available evidence, this variant is classified as Likely Pathogenic.

PreventionGenetics, part of Exact Sciences
Classification: Pathogenic for ATM-related condition. Last evaluated: 2023-04-11. Review status: criteria provided, single submitter. Criteria: ACMG Guidelines, 2015. Collection method: clinical testing. Allele origin: germline.
Comment: The ATM c.4612-3_4616del8 variant is predicted to result in a frameshift and premature protein termination (p.Val1538Tyrfs*5). This variant occurs across the intron 30/exon31 junction and is predicted to disrupt the consensus AT splice acceptor site based on available splicing prediction programs (Alamut Visual Plus v1.6.1). To our knowledge, this variant has not been reported in the literature. This variant is reported in 1 of ~189,000 alleles in gnomAD. It is interpreted as likely pathogenic in ClinVar. Frameshift variants in ATM are expected to be pathogenic. This variant is interpreted as pathogenic.

Literature cited by the submitters: PubMed 33471991 (cited by Color Diagnostics, LLC DBA Color Health).

NM_000051.4(ATM):c.4612-3_4616del

Gene: ATM (ATM serine/threonine kinase; plus strand). Cytogenetic location: 11q22.3.
Variant type: Deletion.
Coding change: c.4612-3_4616del on transcript NM_000051.4 (MANE Select); 3 bases into the intron before coding-DNA position 4612 through coding-DNA position 4616, 8 bases deleted (TAGGTATT; older notation c.4612-3_4616delTAGGTATT).
Molecular consequence: splice acceptor variant.
Genome position (GRCh38, 1-based): chr11:108,293,310-108,293,317, TAGGTATT deleted; deleting any 8 consecutive bases within chr11:108,293,306-108,293,317 gives the same sequence; the c. name uses the placement nearest the transcript's 3' end. VCF-style (leftmost placement, unchanged base first): chr11-108293305-ATATTTAGG-A. GRCh37 (hg19) VCF-style: chr11-108164032-ATATTTAGG-A.
Other names: c.4612-3_4616delTAGGTATT (NM_000051.3); c.4612-3_4616del (NM_001351834.2).
Identifiers: ClinVar variation 631464 (VCV000631464.10), dbSNP rs773012957, ClinGen allele CA6265518.